The following is an entry in ClinVar:

NM_003482.4(KMT2D):c.3965G>A (p.Arg1322His)

Genes: KMT2D (lysine methyltransferase 2D; minus strand), LOC126861520 (CDK7 strongly-dependent group 2 enhancer GRCh37_chr12:49442744-49443943; plus strand). Cytogenetic location: 12q13.12.
Variant type: single nucleotide variant.
Coding change: c.3965G>A on transcript NM_003482.4 (MANE Select); coding-DNA position 3965, G replaced by A.
Protein change: p.Arg1322His; replaces arginine 1322 with histidine.
Molecular consequence: missense variant.
Genome position (GRCh38, 1-based): chr12:49,049,160, C>T on the plus strand (G>A on the coding strand, the complement: KMT2D is on the minus strand). VCF-style: chr12-49049160-C-T. GRCh37 (hg19) VCF-style: chr12-49442943-C-T.
Other names: short protein forms R1322H.
Identifiers: ClinVar variation 2158149 (VCV002158149.4), dbSNP rs1442540049, ClinGen allele CA384651704.

ClinVar aggregate classification (germline): Uncertain significance (1 of 4 stars; one submission).

Conditions:
Kabuki syndrome. Also called: NIIKAWA-KUROKI SYNDROME; Kabuki make-up syndrome. Identifiers: Orphanet 2322, MedGen C0796004, MONDO:0016512.

Allele frequency attached by ClinVar (database versions not stated): gnomAD exomes below 0.00001; gnomAD 0.00001; TOPMed 0.00001.
gnomAD v4.1: 5 of 1,611,906 alleles (0.00031%); highest among the groups gnomAD compares: Admixed American, 0.0017%; no homozygotes.

Submission:

Labcorp Genetics (formerly Invitae), Labcorp
Classification: Uncertain significance for Kabuki syndrome. Last evaluated: 2022-09-22. Review status: criteria provided, single submitter. Criteria: Invitae Variant Classification Sherloc (09022015). Collection method: clinical testing. Allele origin: germline.
Comment: This variant is not present in population databases (gnomAD no frequency). In summary, the available evidence is currently insufficient to determine the role of this variant in disease. Therefore, it has been classified as a Variant of Uncertain Significance. Algorithms developed to predict the effect of sequence changes on RNA splicing suggest that this variant may create or strengthen a splice site. Advanced modeling of protein sequence and biophysical properties (such as structural, functional, and spatial information, amino acid conservation, physicochemical variation, residue mobility, and thermodynamic stability) performed at Invitae indicates that this missense variant is not expected to disrupt KMT2D protein function. This variant has not been reported in the literature in individuals affected with KMT2D-related conditions. This sequence change replaces arginine, which is basic and polar, with histidine, which is basic and polar, at codon 1322 of the KMT2D protein (p.Arg1322His).